The following is an entry in ClinVar:

ClinVar aggregate classification (germline): Conflicting classifications of pathogenicity. Review status: criteria provided, conflicting classifications (1 of 4 stars). 3 submissions from 3 submitters: Uncertain significance (2); Likely benign (1). Last evaluated 2026-06-27.

Conditions:
Aortic aneurysm, familial thoracic 4 (AAT4). Also called: AORTIC ANEURYSM/AORTIC DISSECTION AND PATENT DUCTUS ARTERIOSUS. Identifiers: MedGen C1851504, MONDO:0007568, OMIM 132900.
Familial thoracic aortic aneurysm and aortic dissection (TAAD). Also called: Thoracic aortic aneurysms and dissections. Identifiers: Orphanet 91387, MedGen C4707243, MONDO:0019625.

Allele frequency attached by ClinVar (database versions not stated): gnomAD exomes below 0.00001; TOPMed below 0.00001; ExAC 0.00001.
gnomAD v4.1: 6 of 1,608,146 alleles (0.00037%); highest among the groups gnomAD compares: Middle Eastern, 0.017%; no homozygotes.

Submissions (3):

Ambry Genetics
Classification: Uncertain significance for Familial thoracic aortic aneurysm and aortic dissection. Last evaluated: 2026-06-27. Review status: criteria provided, single submitter. Criteria: Ambry Variant Classification Scheme 2023. Collection method: clinical testing. Allele origin: germline.
Comment: The p.G1750S variant (also known as c.5248G>A), located in coding exon 36 of the MYH11 gene, results from a G to A substitution at nucleotide position 5248. The glycine at codon 1750 is replaced by serine, an amino acid with similar properties. This amino acid position is conserved. In addition, this alteration is predicted to be tolerated by in silico analysis. Based on the available evidence, the clinical significance of this variant remains unclear.

Color Diagnostics, LLC DBA Color Health
Classification: Likely benign for Familial thoracic aortic aneurysm and aortic dissection. Last evaluated: 2025-06-11. Review status: criteria provided, single submitter. Criteria: ACMG Guidelines, 2015. Collection method: clinical testing. Allele origin: germline.

Labcorp Genetics (formerly Invitae), Labcorp
Classification: Uncertain significance for Aortic aneurysm, familial thoracic 4. Last evaluated: 2024-04-17. Review status: criteria provided, single submitter. Criteria: Invitae Variant Classification Sherloc (09022015). Collection method: clinical testing. Allele origin: germline.
Comment: This sequence change replaces glycine, which is neutral and non-polar, with serine, which is neutral and polar, at codon 1757 of the MYH11 protein (p.Gly1757Ser). The frequency data for this variant in the population databases is considered unreliable, as metrics indicate poor data quality at this position in the gnomAD database. This variant has not been reported in the literature in individuals affected with MYH11-related conditions. ClinVar contains an entry for this variant (Variation ID: 629804). Advanced modeling of protein sequence and biophysical properties (such as structural, functional, and spatial information, amino acid conservation, physicochemical variation, residue mobility, and thermodynamic stability) performed at Invitae indicates that this missense variant is not expected to disrupt MYH11 protein function with a negative predictive value of 95%. In summary, the available evidence is currently insufficient to determine the role of this variant in disease. Therefore, it has been classified as a Variant of Uncertain Significance.

NM_002474.3(MYH11):c.5248G>A (p.Gly1750Ser)

Genes: MYH11 (myosin heavy chain 11; minus strand), NDE1 (nudE neurodevelopment protein 1; plus strand). Cytogenetic location: 16p13.11.
Variant type: single nucleotide variant.
Coding change: c.5248G>A on transcript NM_002474.3 (MANE Select); coding-DNA position 5248, G replaced by A.
Protein change: p.Gly1750Ser; replaces glycine 1750 with serine.
Molecular consequence: missense variant. On other transcripts: intron variant (2).
Genome position (GRCh38, 1-based): chr16:15,718,362, C>T on the plus strand (G>A on the coding strand, the complement: MYH11 is on the minus strand). VCF-style: chr16-15718362-C-T. GRCh37 (hg19) VCF-style: chr16-15812219-C-T.
Other names: c.5269G>A, p.Gly1757Ser (NM_001040113.2, NM_001040114.2); c.5248G>A, p.Gly1750Ser (NM_022844.3); c.948-5829C>T (NM_001143979.2, NM_017668.3); c.5248G>A (NM_002474.2); short protein forms G1750S, G1757S.
Identifiers: ClinVar variation 629804 (VCV000629804.7), dbSNP rs749462800, ClinGen allele CA7921354.